The following is an entry in ClinVar:

ClinVar aggregate classification (germline): Uncertain significance (1 of 4 stars; one submission).

Conditions:
Cerebellar hypoplasia-intellectual disability-congenital microcephaly-dystonia-anemia-growth retardation syndrome. Also called: CIMDAG SYNDROME; CEREBELLAR HYPOPLASIA, CATARACTS, IMPAIRED INTELLECTUAL DEVELOPMENT, CONGENITAL MICROCEPHALY, DYSTONIA, DYSERYTHROPOIETIC ANEMIA, AND GROWTH RETARDATION. Identifiers: Orphanet 603448, MedGen C5543287, MONDO:0035819, OMIM 619273.

Submission:

3billion
Classification: Uncertain significance for Cerebellar hypoplasia-intellectual disability-congenital microcephaly-dystonia-anemia-growth retardation syndrome. Last evaluated: 2025-08-21. Review status: criteria provided, single submitter. Criteria: ACMG Guidelines, 2015. Collection method: clinical testing. Allele origin: germline. Affected: yes.
Comment: The variant is not observed in the gnomAD v4.1.0 dataset. Predicted Consequence/Location: Missense variant. Missense changes are a common disease-causing mechanism. In silico tool predictions suggest damaging effect of the variant on gene or gene product [REVEL: 0.83 (>=0.6, sensitivity 0.68 and specificity 0.92)]. Therefore, this variant is classified as VUS according to the recommendation of ACMG/AMP guideline.

NM_013245.3(VPS4A):c.602G>T (p.Trp201Leu)

Gene: VPS4A (vacuolar protein sorting 4 homolog A; plus strand). Cytogenetic location: 16q22.1.
Variant type: single nucleotide variant.
Coding change: c.602G>T on transcript NM_013245.3 (MANE Select); coding-DNA position 602, G replaced by T.
Protein change: p.Trp201Leu; replaces tryptophan 201 with leucine.
Molecular consequence: missense variant.
Genome position (GRCh38, 1-based): chr16:69,319,525, G>T. VCF-style: chr16-69319525-G-T. GRCh37 (hg19) VCF-style: chr16-69353428-G-T.
Other names: short protein forms W201L.
Identifiers: ClinVar variation 4854647 (VCV004854647.1).